The following is an entry in ClinVar:

ClinVar aggregate classification (germline): Uncertain significance (1 of 4 stars; one submission).

Allele frequency attached by ClinVar (database versions not stated): gnomAD exomes below 0.00001.
gnomAD v4.1: 1 of 1,536,258 alleles (0.000065%); highest among the groups gnomAD compares: Non-Finnish European, 0.000087%; no homozygotes.

Submission:

Labcorp Genetics (formerly Invitae), Labcorp
Classification: Uncertain significance. Last evaluated: 2022-11-15. Review status: criteria provided, single submitter. Criteria: Invitae Variant Classification Sherloc (09022015). Collection method: clinical testing. Allele origin: germline.
Comment: The C2CD3 gene has multiple clinically relevant transcripts. This variant occurs in alternate transcript NM_001286577.1, and corresponds to NM_015531.5:c.*671C>T in the primary transcript. This variant has not been reported in the literature in individuals affected with C2CD3-related conditions. Experimental studies and prediction algorithms are not available or were not evaluated, and the functional significance of this variant is currently unknown. This variant is not present in population databases (gnomAD no frequency). This sequence change replaces threonine, which is neutral and polar, with isoleucine, which is neutral and non-polar, at codon 2078 of the C2CD3 protein (p.Thr2078Ile). In summary, the available evidence is currently insufficient to determine the role of this variant in disease. Therefore, it has been classified as a Variant of Uncertain Significance.

NM_001286577.2(C2CD3):c.6233C>T (p.Thr2078Ile)

Gene: C2CD3 (C2 domain containing 3 centriole elongation regulator; minus strand). Cytogenetic location: 11q13.4.
Variant type: single nucleotide variant.
Coding change: c.6233C>T on transcript NM_001286577.2 (MANE Select); coding-DNA position 6233, C replaced by T.
Protein change: p.Thr2078Ile; replaces threonine 2078 with isoleucine.
Molecular consequence: missense variant.
Genome position (GRCh38, 1-based): chr11:74,033,927, G>A on the plus strand (C>T on the coding strand, the complement: C2CD3 is on the minus strand). VCF-style: chr11-74033927-G-A. GRCh37 (hg19) VCF-style: chr11-73744972-G-A.
Other names: short protein forms T2078I.
Identifiers: ClinVar variation 2099532 (VCV002099532.4), dbSNP rs2496201913, ClinGen allele CA381821407.
Genomic context (GRCh38, chr11:74,033,927, plus strand): 5'-ATGACCTCACTTGTGTCTGATATGACACTAGACCAAGGGCTAGTTTTGTCTGTCACCGTG[G>A]TGATCTCATTTAAGGTCCTGGGCTCAATGATGTCTTCTTCATAGTCCTCATCACTGTAGG-3'
Protein context (NP_001273506.1, residues 2068-2088): IIEPRTLNEI[Thr2078Ile]TVTDKTSPWS